The following is an entry in ClinVar:

NM_001211.6(BUB1B):c.188A>T (p.Glu63Val)

Gene: BUB1B (BUB1 mitotic checkpoint serine/threonine kinase B; plus strand). Cytogenetic location: 15q15.1.
Variant type: single nucleotide variant.
Coding change: c.188A>T on transcript NM_001211.6 (MANE Select); coding-DNA position 188, A replaced by T.
Protein change: p.Glu63Val; replaces glutamic acid 63 with valine.
Molecular consequence: missense variant.
Genome position (GRCh38, 1-based): chr15:40,170,070, A>T. VCF-style: chr15-40170070-A-T. GRCh37 (hg19) VCF-style: chr15-40462271-A-T.
Other names: short protein forms E63V.
Identifiers: ClinVar variation 2450823 (VCV002450823.2), dbSNP rs2542515621, ClinGen allele CA391678369.

ClinVar aggregate classification (germline): Uncertain significance (1 of 4 stars; one submission).

Conditions:
Inborn genetic diseases. Identifiers: MedGen C0950123, MeSH D030342.

Submission:

Ambry Genetics
Classification: Uncertain significance for Inborn genetic diseases. Last evaluated: 2023-01-08. Review status: criteria provided, single submitter. Criteria: Ambry Variant Classification Scheme 2023. Collection method: clinical testing. Allele origin: germline.
Comment: The p.E63V variant (also known as c.188A>T), located in coding exon 3 of the BUB1B gene, results from an A to T substitution at nucleotide position 188. The glutamic acid at codon 63 is replaced by valine, an amino acid with dissimilar properties. This amino acid position is conserved. In addition, the in silico prediction for this alteration is inconclusive. Since supporting evidence is limited at this time, the clinical significance of this alteration remains unclear.